The following is an entry in ClinVar:

ClinVar aggregate classification (germline): Uncertain significance. Review status: criteria provided, multiple submitters, no conflicts (2 of 4 stars). 3 submissions from 3 submitters: Uncertain significance (3). Last evaluated 2025-10-18.

Conditions:
RYR1-related disorder. Also called: RYR1-related disorders; RYR1-related condition. Identifiers: MedGen CN239331.
Inborn genetic diseases. Identifiers: MedGen C0950123, MeSH D030342.
Malignant hyperthermia, susceptibility to, 1 (MHS1). Also called: Malignant hyperthermia suceptibility 1; RYR1-Related Malignant Hyperthermia Susceptibility; Anesthesia related hyperthermia; Malignant hyperpyrexia; Fulminating hyperpyrexia; Pharmacogenic myopathy. Identifiers: Orphanet 423, MedGen C2930980, MONDO:0007783, OMIM 145600.

gnomAD v4.1: 2 of 1,613,814 alleles (0.00012%); highest among the groups gnomAD compares: African/African-American, 0.0027%; no homozygotes.

Submissions (3):

Ambry Genetics
Classification: Uncertain significance for Inborn genetic diseases. Last evaluated: 2025-10-18. Review status: criteria provided, single submitter. Criteria: Ambry Variant Classification Scheme 2023. Collection method: clinical testing. Allele origin: germline.

All of Us Research Program, National Institutes of Health
Classification: Uncertain significance for Malignant hyperthermia, susceptibility to, 1. Last evaluated: 2023-05-04. Review status: criteria provided, single submitter. Criteria: ACMG Guidelines, 2015. Collection method: clinical testing. Allele origin: germline. Inheritance: Autosomal dominant inheritance. Observed: 1 variant allele, 1 heterozygote.
Comment: This missense variant replaces aspartic acid with glutamic acid at codon 4695 of the RYR1 protein. Computational prediction suggests that this variant may not impact protein structure and function (internally defined REVEL score threshold <= 0.5, PMID: 27666373). To our knowledge, functional studies have not been reported for this variant. This variant has not been reported in individuals affected with RYR1-related disorders in the literature. This variant has not been identified in the general population by the Genome Aggregation Database (gnomAD). The available evidence is insufficient to determine the role of this variant in disease conclusively. Therefore, this variant is classified as a Variant of Uncertain Significance.

This study involves interpretation of variants in research participants for the purpose of population health screening. Participant phenotype was not available at the time of variant classification. Additional details can be found in publication PMID: 35346344, PMCID: PMC8962531

Labcorp Genetics (formerly Invitae), Labcorp
Classification: Uncertain significance for RYR1-related disorder. Last evaluated: 2022-08-16. Review status: criteria provided, single submitter. Criteria: Invitae Variant Classification Sherloc (09022015). Collection method: clinical testing. Allele origin: germline.
Comment: This sequence change replaces aspartic acid, which is acidic and polar, with glutamic acid, which is acidic and polar, at codon 4695 of the RYR1 protein (p.Asp4695Glu). This variant is not present in population databases (gnomAD no frequency). This missense change has been observed in individual(s) with periodic paralysis (Invitae). ClinVar contains an entry for this variant (Variation ID: 948134). Advanced modeling of protein sequence and biophysical properties (such as structural, functional, and spatial information, amino acid conservation, physicochemical variation, residue mobility, and thermodynamic stability) performed at Invitae indicates that this missense variant is not expected to disrupt RYR1 protein function. In summary, the available evidence is currently insufficient to determine the role of this variant in disease. Therefore, it has been classified as a Variant of Uncertain Significance.

NM_000540.3(RYR1):c.14085C>A (p.Asp4695Glu)

Gene: RYR1 (ryanodine receptor 1; plus strand). Cytogenetic location: 19q13.2.
Variant type: single nucleotide variant.
Coding change: c.14085C>A on transcript NM_000540.3 (MANE Select); coding-DNA position 14085, C replaced by A.
Protein change: p.Asp4695Glu; replaces aspartic acid 4695 with glutamic acid.
Molecular consequence: missense variant.
Genome position (GRCh38, 1-based): chr19:38,573,263, C>A. VCF-style: chr19-38573263-C-A. GRCh37 (hg19) VCF-style: chr19-39063903-C-A.
Other names: c.14070C>A, p.Asp4690Glu (NM_001042723.2); short protein forms D4690E, D4695E.
Identifiers: ClinVar variation 948134 (VCV000948134.8), dbSNP rs1248688892, ClinGen allele CA405682446.